The following is an entry in ClinVar:

NM_000136.3(FANCC):c.788C>T (p.Ser263Phe)

Genes: AOPEP (aminopeptidase O (putative); plus strand), FANCC (FA complementation group C; minus strand). Cytogenetic location: 9q22.32.
Variant type: single nucleotide variant.
Coding change: c.788C>T on transcript NM_000136.3 (MANE Select); coding-DNA position 788, C replaced by T.
Protein change: p.Ser263Phe; replaces serine 263 with phenylalanine.
Molecular consequence: missense variant.
Genome position (GRCh38, 1-based): chr9:95,135,401, G>A on the plus strand (C>T on the coding strand, the complement: FANCC is on the minus strand). VCF-style: chr9-95135401-G-A. GRCh37 (hg19) VCF-style: chr9-97897683-G-A.
Other names: c.788C>T, p.Ser263Phe (NM_001243743.2, NM_001243744.2); short protein forms S263F.
Identifiers: ClinVar variation 4824320 (VCV004824320.1).

ClinVar aggregate classification (germline): Uncertain significance (1 of 4 stars; one submission).

Conditions:
Hereditary cancer-predisposing syndrome. Also called: Neoplastic Syndromes, Hereditary; Hereditary neoplastic syndrome; Tumor predisposition; Hereditary Cancer Syndrome. Identifiers: Orphanet 140162, MedGen C0027672, MeSH D009386, MONDO:0015356.

Submission:

Ambry Genetics
Classification: Uncertain significance for Hereditary cancer-predisposing syndrome. Last evaluated: 2026-02-15. Review status: criteria provided, single submitter. Criteria: Ambry Variant Classification Scheme 2023. Collection method: clinical testing. Allele origin: germline.
Comment: The p.S263F variant (also known as c.788C>T), located in coding exon 7 of the FANCC gene, results from a C to T substitution at nucleotide position 788. The serine at codon 263 is replaced by phenylalanine, an amino acid with highly dissimilar properties. This amino acid position is conserved. In addition, this alteration is predicted to be tolerated by in silico analysis. Based on the available evidence, the clinical significance of this variant remains unclear.